The following is an entry in ClinVar:

NM_199355.4(ADAMTS18):c.2167G>T (p.Val723Leu)

Gene: ADAMTS18 (ADAM metallopeptidase with thrombospondin type 1 motif 18; minus strand). Cytogenetic location: 16q23.1.
Variant type: single nucleotide variant.
Coding change: c.2167G>T on transcript NM_199355.4 (MANE Select); coding-DNA position 2167, G replaced by T.
Protein change: p.Val723Leu; replaces valine 723 with leucine.
Molecular consequence: missense variant.
Genome position (GRCh38, 1-based): chr16:77,321,199, C>A on the plus strand (G>T on the coding strand, the complement: ADAMTS18 is on the minus strand). VCF-style: chr16-77321199-C-A. GRCh37 (hg19) VCF-style: chr16-77355096-C-A.
Other names: c.1651G>T, p.Val551Leu (NM_001326358.2); short protein forms V551L, V723L.
Identifiers: ClinVar variation 1015620 (VCV001015620.6), dbSNP rs534166116, ClinGen allele CA284391498.

ClinVar aggregate classification (germline): Uncertain significance (1 of 4 stars; one submission).

Allele frequency attached by ClinVar (database versions not stated): gnomAD exomes below 0.00001; gnomAD 0.00001; 1000 Genomes Project 30x 0.00016; 1000 Genomes Project 0.00020.
gnomAD v4.1: 1 of 1,614,144 alleles (0.000062%); highest among the groups gnomAD compares: East Asian, 0.0022%; no homozygotes.

Submission:

Labcorp Genetics (formerly Invitae), Labcorp
Classification: Uncertain significance. Last evaluated: 2022-02-04. Review status: criteria provided, single submitter. Criteria: Invitae Variant Classification Sherloc (09022015). Collection method: clinical testing. Allele origin: germline.
Comment: This sequence change replaces valine, which is neutral and non-polar, with leucine, which is neutral and non-polar, at codon 723 of the ADAMTS18 protein (p.Val723Leu). This variant is not present in population databases (gnomAD no frequency). This variant has not been reported in the literature in individuals affected with ADAMTS18-related conditions. ClinVar contains an entry for this variant (Variation ID: 1015620). Algorithms developed to predict the effect of missense changes on protein structure and function are either unavailable or do not agree on the potential impact of this missense change (SIFT: "Not Available"; PolyPhen-2: "Possibly Damaging"; Align-GVGD: "Not Available"). In summary, the available evidence is currently insufficient to determine the role of this variant in disease. Therefore, it has been classified as a Variant of Uncertain Significance.